The following is an entry in ClinVar:

ClinVar aggregate classification (germline): Benign/Likely benign. Review status: criteria provided, multiple submitters, no conflicts (2 of 4 stars). 6 submissions from 6 submitters: Benign (4); Likely benign (2). Last evaluated 2026-02-03.

Conditions:
Autosomal recessive nonsyndromic hearing loss 3. Also called: NEUROSENSORY NONSYNDROMIC RECESSIVE DEAFNESS 3. Identifiers: Orphanet 90636, MedGen C1838263, MONDO:0010860, OMIM 600316.

Allele frequency attached by ClinVar (database versions not stated): gnomAD exomes 0.00498 and 0.01385; ExAC 0.01420; ESP Exome Variant Server 0.01458; gnomAD 0.01903 and 0.01928; TOPMed 0.02138; 1000 Genomes Project 30x 0.03763; 1000 Genomes Project 0.03854.
gnomAD v4.1: 10,543 of 1,613,148 alleles (0.65%); highest among the groups gnomAD compares: East Asian, 8.8%; 300 homozygotes.

Submissions (6):

Labcorp Genetics (formerly Invitae), Labcorp
Classification: Benign. Last evaluated: 2026-02-03. Review status: criteria provided, single submitter. Criteria: Invitae Variant Classification Sherloc (09022015). Collection method: clinical testing. Allele origin: germline.

Illumina Laboratory Services, Illumina
Classification: Likely benign for Autosomal recessive nonsyndromic hearing loss 3. Last evaluated: 2018-01-12. Review status: criteria provided, single submitter. Criteria: ICSL Variant Classification Criteria 13 December 2019. Collection method: clinical testing. Allele origin: germline.
Comment: This variant was observed in the ICSL laboratory as part of a predisposition screen in an ostensibly healthy population. It had not been previously curated by ICSL or reported in the Human Gene Mutation Database (HGMD: prior to June 1st, 2018), and was therefore a candidate for classification through an automated scoring system. Utilizing variant allele frequency, disease prevalence and penetrance estimates, and inheritance mode, an automated score was calculated to assess if this variant is too frequent to cause the disease. Based on the score and internal cut-off values, a variant classified as likely benign is not then subjected to further curation. The score for this variant resulted in a classification of likely benign for this disease.

GeneDx
Classification: Benign. Last evaluated: 2017-08-03. Review status: criteria provided, single submitter. Criteria: GeneDx Variant Classification (06012015). Collection method: clinical testing. Allele origin: germline. Affected: yes.
Comment: This variant is considered likely benign or benign based on one or more of the following criteria: it is a conservative change, it occurs at a poorly conserved position in the protein, it is predicted to be benign by multiple in silico algorithms, and/or has population frequency not consistent with disease.

Laboratory for Molecular Medicine, Mass General Brigham Personalized Medicine
Classification: Benign. Last evaluated: 2015-04-17. Review status: criteria provided, single submitter. Criteria: LMM Criteria. Collection method: clinical testing. Allele origin: germline. Observed: 20 variant alleles.
Comment: p.Gln1138Arg in exon 2 of MYO15A: This variant is not expected to have clinical significance because it has been identified in 10.9% (939/8600) of East Asian ch romosomes by the Exome Aggregation Consortium (ExAC. org; dbSNP rs76468019).

Breakthrough Genomics
Classification: Likely benign. Review status: criteria provided, single submitter. Criteria: ACMG Guidelines, 2015. Collection method: not provided. Allele origin: germline. Inheritance: Autosomal recessive inheritance. Affected: yes.

PreventionGenetics, part of Exact Sciences
Classification: Benign. Review status: criteria provided, single submitter. Criteria: ACMG Guidelines, 2015. Collection method: clinical testing. Allele origin: germline.

NM_016239.4(MYO15A):c.3413A>G (p.Gln1138Arg)

Gene: MYO15A (myosin XVA; plus strand). Cytogenetic location: 17p11.2.
Variant type: single nucleotide variant.
Coding change: c.3413A>G on transcript NM_016239.4 (MANE Select); coding-DNA position 3413, A replaced by G.
Protein change: p.Gln1138Arg; replaces glutamine 1138 with arginine.
Molecular consequence: missense variant.
Genome position (GRCh38, 1-based): chr17:18,122,213, A>G. VCF-style: chr17-18122213-A-G. GRCh37 (hg19) VCF-style: chr17-18025527-A-G.
Other names: short protein forms Q1138R.
Identifiers: ClinVar variation 226784 (VCV000226784.17), dbSNP rs76468019, ClinGen allele CA8423457.